The following is an entry in ClinVar:

NM_004006.3(DMD):c.3789A>G (p.Glu1263=)

Gene: DMD (dystrophin; minus strand). Cytogenetic location: Xp21.1.
Variant type: single nucleotide variant.
Coding change: c.3789A>G on transcript NM_004006.3 (MANE Select); coding-DNA position 3789, A replaced by G.
Protein change: p.Glu1263=; no amino-acid change (glutamic acid 1263 retained).
Molecular consequence: synonymous variant.
Genome position (GRCh38, 1-based): chrX:32,441,312, T>C on the plus strand (A>G on the coding strand, the complement: DMD is on the minus strand). VCF-style: chrX-32441312-T-C. GRCh37 (hg19) VCF-style: chrX-32459429-T-C.
Other names: c.3765A>G, p.Glu1255= (NM_000109.4); c.3777A>G, p.Glu1259= (NM_004009.3); c.3420A>G, p.Glu1140= (NM_004010.3); c.3789A>G (NM_004006.2).
Identifiers: ClinVar variation 1085069 (VCV001085069.35), dbSNP rs1384918904, ClinGen allele CA515723844.

ClinVar aggregate classification (germline): Likely benign. Review status: criteria provided, multiple submitters, no conflicts (2 of 4 stars). 3 submissions from 3 submitters: Likely benign (3). Last evaluated 2026-01-26.

Conditions:
Duchenne muscular dystrophy (DMD). Also called: MUSCULAR DYSTROPHY, PSEUDOHYPERTROPHIC PROGRESSIVE, DUCHENNE TYPE; Duchenne Muscular Dystrophy (DMD). Identifiers: Orphanet 98896, MedGen C0013264, MONDO:0010679, OMIM 310200.
Cardiovascular phenotype. Identifiers: MedGen CN230736.

Allele frequency attached by ClinVar (database versions not stated): gnomAD 0.00001; TOPMed 0.00001.
gnomAD v4.1: 44 of 1,204,484 alleles (0.0037%); highest among the groups gnomAD compares: Non-Finnish European, 0.0049%; no homozygotes.

Submissions (4):

Labcorp Genetics (formerly Invitae), Labcorp
Classification: Likely benign for Duchenne muscular dystrophy. Last evaluated: 2026-01-26. Review status: criteria provided, single submitter. Criteria: Invitae Variant Classification Sherloc (09022015). Collection method: clinical testing. Allele origin: germline.

Ambry Genetics
Classification: Likely benign for Cardiovascular phenotype. Last evaluated: 2024-08-03. Review status: criteria provided, single submitter. Criteria: Ambry Variant Classification Scheme 2023. Collection method: clinical testing. Allele origin: germline.

CeGaT Center for Human Genetics Tuebingen
Classification: Likely benign. Last evaluated: 2022-08-01. Review status: criteria provided, single submitter. Criteria: CeGaT Center For Human Genetics Tuebingen Variant Classification Criteria Version 2. Collection method: clinical testing. Allele origin: germline. Affected: yes. Observed: 1 variant allele.
Comment: DMD: BP4, BP7

Dr. Peter K. Rogan Lab, Western University
No classification provided (evidence only). Condition: Nonpapillary renal cell carcinoma. Review status: no classification provided. Collection method: in vitro. Allele origin: not applicable. Functional consequence: retained intron. Not counted in ClinVar's aggregate classification.